The following is an entry in ClinVar:

ClinVar aggregate classification (germline): Uncertain significance. Review status: criteria provided, multiple submitters, no conflicts (2 of 4 stars). 2 submissions from 2 submitters: Uncertain significance (2). Last evaluated 2019-08-21.

Conditions:
Familial adenomatous polyposis 1 (FAP1). Also called: FAMILIAL ADENOMATOUS POLYPOSIS 1, ATTENUATED; POLYPOSIS, ADENOMATOUS INTESTINAL. Identifiers: MedGen C2713442, MONDO:0021056, OMIM 175100. Disease mechanism: loss of function.
Hereditary cancer-predisposing syndrome. Also called: Tumor predisposition; Hereditary Cancer Syndrome; Hereditary neoplastic syndrome; Neoplastic Syndromes, Hereditary. Identifiers: Orphanet 140162, MedGen C0027672, MeSH D009386, MONDO:0015356.

Submissions (2):

Ambry Genetics
Classification: Uncertain significance for Hereditary cancer-predisposing syndrome. Last evaluated: 2019-08-21. Review status: criteria provided, single submitter. Criteria: Ambry Variant Classification Scheme 2023. Collection method: clinical testing. Allele origin: germline.
Comment: The p.S643F variant (also known as c.1928C>T), located in coding exon 14 of the APC gene, results from a C to T substitution at nucleotide position 1928. The serine at codon 643 is replaced by phenylalanine, an amino acid with highly dissimilar properties. This amino acid position is highly conserved in available vertebrate species. In addition, in silico predictors for this gene do not accurately predict pathogenicity. Since supporting evidence is limited at this time, the clinical significance of this alteration remains unclear.

Labcorp Genetics (formerly Invitae), Labcorp
Classification: Uncertain significance for Familial adenomatous polyposis 1. Last evaluated: 2016-06-24. Review status: criteria provided, single submitter. Criteria: Invitae Variant Classification Sherloc (09022015). Collection method: clinical testing. Allele origin: germline.
Comment: Algorithms developed to predict the effect of missense changes on protein structure and function (SIFT, PolyPhen-2, Align-GVGD) all suggest that this variant is likely to be disruptive, but these predictions have not been confirmed by published functional studies. This sequence change replaces serine with phenylalanine at codon 643 of the APC protein (p.Ser643Phe). The serine residue is highly conserved and there is a large physicochemical difference between serine and phenylalanine. This variant is not present in population databases (ExAC no frequency) and has not been reported in the literature in individuals with a APC-related disease. In summary, this variant is a novel missense change with uncertain impact on protein function. It has been classified as a Variant of Uncertain Significance.

NM_000038.6(APC):c.1928C>T (p.Ser643Phe)

Gene: APC (APC regulator of Wnt signaling pathway; plus strand). Cytogenetic location: 5q22.2.
Variant type: single nucleotide variant.
Coding change: c.1928C>T on transcript NM_000038.6 (MANE Select); coding-DNA position 1928, C replaced by T.
Protein change: p.Ser643Phe; replaces serine 643 with phenylalanine.
Molecular consequence: missense variant.
Genome position (GRCh38, 1-based): chr5:112,835,135, C>T. VCF-style: chr5-112835135-C-T. GRCh37 (hg19) VCF-style: chr5-112170832-C-T.
Other names: c.1928C>T, p.Ser643Phe (NM_001127510.3, NM_001354895.2); c.1874C>T, p.Ser625Phe (NM_001127511.3); c.1982C>T, p.Ser661Phe (NM_001354896.2); c.1958C>T, p.Ser653Phe (NM_001354897.2); c.1853C>T, p.Ser618Phe (NM_001354898.2); c.1844C>T, p.Ser615Phe (NM_001354899.2); c.1805C>T, p.Ser602Phe (NM_001354900.2); c.1751C>T, p.Ser584Phe (NM_001354901.2); and 5 more; short protein forms S625F, S643F, S517F, S618F, S483F, S584F, S653F, S661F.
Identifiers: ClinVar variation 411407 (VCV000411407.14), dbSNP rs1060503291, ClinGen allele CA16025529.